The following is an entry in ClinVar:

ClinVar aggregate classification (germline): Uncertain significance (1 of 4 stars; one submission).

Conditions:
Leigh syndrome (NULS). Also called: Leigh's necrotizing encephalopathy; Leigh's disease; Leigh's syndrome; LEIGH SYNDROME, NUCLEAR; Leigh Syndrome (mtDNA deletion); Leigh Disease. Identifiers: Orphanet 506, MedGen C2931891, MONDO:0009723, OMIM 256000.

Submission:

Wong Mito Lab, Molecular and Human Genetics, Baylor College of Medicine
Classification: Uncertain significance for Leigh syndrome. Last evaluated: 2019-10-17. Review status: criteria provided, single submitter. Criteria: Modified ACMG Guidelines (Unpublished). Collection method: clinical testing. Allele origin: germline.
Comment: The NC_012920.1:m.15468C>T (YP_003024038.1:p.Thr241Met) variant in MTCYB gene is interpretated to be a Uncertain Significance variant based on the modified ACMG guidelines (unpublished). This variant meets the following evidence codes: BS1

NC_012920.1(MT-CYB):m.15468C>T

Gene: MT-CYB (mitochondrially encoded cytochrome b; plus strand).
Variant type: single nucleotide variant.
Genome position: chrM-15468-C-T.
Identifiers: ClinVar variation 693889 (VCV000693889.1), dbSNP rs1603225301, ClinGen allele CA913173953.